The following is an entry in ClinVar:

ClinVar aggregate classification (germline): Pathogenic/Likely pathogenic. Review status: criteria provided, multiple submitters, no conflicts (2 of 4 stars). 3 submissions from 3 submitters: Pathogenic (1); Likely pathogenic (2). Last evaluated 2024-02-19.

Conditions:
TGM1-related disorder. Also called: TGM1-related condition.
Autosomal recessive congenital ichthyosis 1 (LI1). Also called: ICHTHYOSIS, CONGENITAL, AUTOSOMAL RECESSIVE 1, WITH BATHING SUIT DISTRIBUTION; ICHTHYOSIS, CONGENITAL, AUTOSOMAL RECESSIVE 1, WITH OR WITHOUT BATHING SUIT DISTRIBUTION; COLLODION FETUS; DESQUAMATION OF NEWBORN; ICHTHYOSIS CONGENITA; ICHTHYOSIS CONGENITA II. Identifiers: MedGen C4551630, MONDO:0009441, OMIM 242300.

Allele frequency attached by ClinVar (database versions not stated): gnomAD exomes below 0.00001; gnomAD 0.00001.
gnomAD v4.1: 4 of 1,613,962 alleles (0.00025%); highest among the groups gnomAD compares: Non-Finnish European, 0.00034%; no homozygotes.

Submissions (3):

Baylor Genetics
Classification: Likely pathogenic for Autosomal recessive congenital ichthyosis 1. Last evaluated: 2024-02-19. Review status: criteria provided, single submitter. Criteria: ACMG Guidelines, 2015. Collection method: clinical testing. Allele origin: unknown.

Labcorp Genetics (formerly Invitae), Labcorp
Classification: Pathogenic. Last evaluated: 2021-10-31. Review status: criteria provided, single submitter. Criteria: Invitae Variant Classification Sherloc (09022015). Collection method: clinical testing. Allele origin: germline.
Comment: This sequence change creates a premature translational stop signal (p.Gln592*) in the TGM1 gene. It is expected to result in an absent or disrupted protein product. Loss-of-function variants in TGM1 are known to be pathogenic (PMID: 18948357, 19241467). This variant is not present in population databases (gnomAD no frequency). For these reasons, this variant has been classified as Pathogenic. Algorithms developed to predict the effect of sequence changes on RNA splicing suggest that this variant may create or strengthen a splice site. ClinVar contains an entry for this variant (Variation ID: 1075202). This variant has not been reported in the literature in individuals affected with TGM1-related conditions.

Blueprint Genetics
Classification: Likely pathogenic for TGM1-related disorders. Last evaluated: 2021-03-29. Review status: criteria provided, single submitter. Criteria: ACMG Guidelines, 2015. Collection method: clinical testing. Allele origin: germline. Affected: yes. Observed: 3 variant alleles.

Literature cited by the submitters: PubMed 18948357 (cited by Labcorp Genetics (formerly Invitae), Labcorp); PubMed 19241467 (cited by Labcorp Genetics (formerly Invitae), Labcorp).

NM_000359.3(TGM1):c.1774C>T (p.Gln592Ter)

Gene: TGM1 (transglutaminase 1; minus strand). Cytogenetic location: 14q12.
Variant type: single nucleotide variant.
Coding change: c.1774C>T on transcript NM_000359.3 (MANE Select); coding-DNA position 1774, C replaced by T.
Protein change: p.Gln592Ter; replaces glutamine 592 with a stop codon.
Molecular consequence: nonsense.
Genome position (GRCh38, 1-based): chr14:24,255,125, G>A on the plus strand (C>T on the coding strand, the complement: TGM1 is on the minus strand). VCF-style: chr14-24255125-G-A. GRCh37 (hg19) VCF-style: chr14-24724331-G-A.
Other names: short protein forms Q592*.
Identifiers: ClinVar variation 1075202 (VCV001075202.9), dbSNP rs2040737996, ClinGen allele CA389250483.